The following is an entry in ClinVar:

NM_003470.3(USP7):c.3111+1G>A

Gene: USP7 (ubiquitin specific peptidase 7; minus strand). Cytogenetic location: 16p13.2.
Variant type: single nucleotide variant.
Coding change: c.3111+1G>A on transcript NM_003470.3 (MANE Select); the canonical splice donor site of the intron after coding-DNA position 3111, G replaced by A.
Molecular consequence: splice donor variant.
Genome position (GRCh38, 1-based): chr16:8,894,783, C>T on the plus strand (G>A on the coding strand, the complement: USP7 is on the minus strand). VCF-style: chr16-8894783-C-T. GRCh37 (hg19) VCF-style: chr16-8988640-C-T.
Other names: NC_000016.9:g.8988640C>T; c.2937+1G>A (NM_001321858.2); c.3063+1G>A (NM_001286457.2); c.2814+1G>A (NM_001286458.2).
Identifiers: ClinVar variation 3236128 (VCV003236128.2), dbSNP rs2549212884, ClinGen allele CA394695368.

ClinVar aggregate classification (germline): Pathogenic (1 of 4 stars; one submission).

Conditions:
Hao-Fountain syndrome due to USP7 mutation. Also called: USP7-Related Hao Fountain Syndrome. Identifiers: Orphanet 643538, MedGen C5816734, MONDO:0958071, OMIM 616863.

Submissions (2):

MVZ Medizinische Genetik Mainz
Classification: Pathogenic for Hao-Fountain syndrome due to USP7 mutation. Last evaluated: 2022-03-21. Review status: criteria provided, single submitter. Criteria: UK Practice Guidelines For Variant Classification V4 01 2020. Collection method: clinical testing. Allele origin: germline. Inheritance: Autosomal dominant inheritance. Affected: yes. Observed: 1 variant allele.
Comment: ACMG Criteria: PVS1, PM6, PM2_SUP (ACMG Version 3)

Dr. Peter K. Rogan Lab, Western University
No classification provided (evidence only). Condition: Gastric cancer. Review status: no classification provided. Collection method: in vitro. Allele origin: not applicable. Functional consequence: retained intron. Not counted in ClinVar's aggregate classification.